The following is an entry in ClinVar:

ClinVar aggregate classification (germline): Pathogenic (1 of 4 stars; one submission).

Submission:

Labcorp Genetics (formerly Invitae), Labcorp
Classification: Pathogenic. Last evaluated: 2023-11-24. Review status: criteria provided, single submitter. Criteria: Invitae Variant Classification Sherloc (09022015). Collection method: clinical testing. Allele origin: unknown.
Comment: This variant is a gross deletion of the genomic region encompassing exon(s) 2 of the CDK5RAP2 gene. This deletion is out-of-frame, and is expected to create a premature termination codon and result in an absent or disrupted protein product. Loss-of-function variants in CDK5RAP2 are known to be pathogenic (PMID: 15793586, 20460369, 26436113). This variant has not been reported in the literature in individuals affected with CDK5RAP2-related conditions. For these reasons, this variant has been classified as Pathogenic.

Literature cited by the submitters: PubMed 15793586; PubMed 20460369; PubMed 26436113.

NC_000009.11:g.(?_123334232)_(123334339_?)del

Gene: CDK5RAP2 (CDK5 regulatory subunit associated protein 2; minus strand). Cytogenetic location: 9q33.2.
Variant type: Deletion.
Identifiers: ClinVar variation 3245363 (VCV003245363.1).